The following is an entry in ClinVar:

NM_001177316.2(SLC34A3):c.779G>A (p.Ser260Asn)

Gene: SLC34A3 (solute carrier family 34 member 3; plus strand). Cytogenetic location: 9q34.3.
Variant type: single nucleotide variant.
Coding change: c.779G>A on transcript NM_001177316.2 (MANE Select); coding-DNA position 779, G replaced by A.
Protein change: p.Ser260Asn; replaces serine 260 with asparagine.
Molecular consequence: missense variant.
Genome position (GRCh38, 1-based): chr9:137,233,655, G>A. VCF-style: chr9-137233655-G-A. GRCh37 (hg19) VCF-style: chr9-140128107-G-A.
Other names: p.Ser260Asn; c.779G>A, p.Ser260Asn (NM_001177317.2, NM_080877.3); short protein forms S260N.
Identifiers: ClinVar variation 283344 (VCV000283344.44), dbSNP rs142918575, ClinGen allele CA5364592.

ClinVar aggregate classification (germline): Benign/Likely benign. Review status: criteria provided, multiple submitters, no conflicts (2 of 4 stars). 8 submissions from 8 submitters: Benign (2); Likely benign (5). 1 of the submissions does not count toward it. Last evaluated 2026-02-01.

Conditions:
SLC34A3-related disorder. Also called: SLC34A3-related condition.

Allele frequency attached by ClinVar (database versions not stated): 1000 Genomes Project 0.00240; 1000 Genomes Project 30x 0.00281; ESP Exome Variant Server 0.00400; ExAC 0.00455; gnomAD exomes 0.00472 and 0.00586; TOPMed 0.00479; gnomAD 0.00480 and 0.00504.
gnomAD v4.1: 9,235 of 1,612,778 alleles (0.57%); highest among the groups gnomAD compares: Non-Finnish European, 0.66%; 35 homozygotes.

Submissions (8):

Labcorp Genetics (formerly Invitae), Labcorp
Classification: Benign. Last evaluated: 2026-02-01. Review status: criteria provided, single submitter. Criteria: Invitae Variant Classification Sherloc (09022015). Collection method: clinical testing. Allele origin: germline.

Blueprint Genetics
Classification: Likely benign. Last evaluated: 2024-11-21. Review status: criteria provided, single submitter. Criteria: ACMG Guidelines, 2015. Collection method: clinical testing. Allele origin: germline.

CeGaT Center for Human Genetics Tuebingen
Classification: Likely benign. Last evaluated: 2023-01-01. Review status: criteria provided, single submitter. Criteria: CeGaT Center For Human Genetics Tuebingen Variant Classification Criteria Version 2. Collection method: clinical testing. Allele origin: germline. Affected: yes. Observed: 1 variant allele.
Comment: SLC34A3: BP4, BS2

GeneDx
Classification: Likely benign. Last evaluated: 2022-11-22. Review status: criteria provided, single submitter. Criteria: GeneDx Variant Classification Process June 2021. Collection method: clinical testing. Allele origin: germline. Affected: yes.
Comment: See Variant Classification Assertion Criteria.

Mayo Clinic Laboratories, Mayo Clinic
Classification: Benign. Last evaluated: 2022-09-23. Review status: criteria provided, single submitter. Criteria: ACMG Guidelines, 2015. Collection method: clinical testing. Allele origin: germline. Observed: 5 variant alleles.
Comment: BS1, BS2, BP4

Eurofins Ntd Llc (ga)
Classification: Likely benign. Last evaluated: 2015-10-05. Review status: criteria provided, single submitter. Criteria: EGL Classification Definitions 2015. Collection method: clinical testing. Allele origin: germline.

Breakthrough Genomics
Classification: Likely benign. Review status: criteria provided, single submitter. Criteria: ACMG Guidelines, 2015. Collection method: not provided. Allele origin: germline. Inheritance: Autosomal recessive inheritance. Affected: yes.

PreventionGenetics, part of Exact Sciences
Classification: Likely benign for SLC34A3-related condition. Last evaluated: 2019-03-18. Review status: no assertion criteria provided. Collection method: clinical testing. Allele origin: germline. Not counted in ClinVar's aggregate classification.
Comment: This variant is classified as likely benign based on ACMG/AMP sequence variant interpretation guidelines (Richards et al. 2015 PMID: 25741868, with internal and published modifications).